The following is an entry in ClinVar:

ClinVar aggregate classification (germline): Uncertain significance (1 of 4 stars; one submission).

Conditions:
Norman-Roberts syndrome (LIS2). Also called: Lissencephaly 2 (Norman-Roberts type). Identifiers: Orphanet 89844, MedGen C0796089, MONDO:0009760, OMIM 257320.
Familial temporal lobe epilepsy 7. Identifiers: Orphanet 101046, MedGen C4225327, MONDO:0014639, OMIM 616436.

Submission:

Labcorp Genetics (formerly Invitae), Labcorp
Classification: Uncertain significance for Familial temporal lobe epilepsy 7; Norman-Roberts syndrome. Last evaluated: 2022-11-08. Review status: criteria provided, single submitter. Criteria: Invitae Variant Classification Sherloc (09022015). Collection method: clinical testing. Allele origin: germline.
Comment: In summary, the available evidence is currently insufficient to determine the role of this variant in disease. Therefore, it has been classified as a Variant of Uncertain Significance. Advanced modeling of protein sequence and biophysical properties (such as structural, functional, and spatial information, amino acid conservation, physicochemical variation, residue mobility, and thermodynamic stability) performed at Invitae indicates that this missense variant is not expected to disrupt RELN protein function. ClinVar contains an entry for this variant (Variation ID: 1051060). This variant has not been reported in the literature in individuals affected with RELN-related conditions. This variant is not present in population databases (gnomAD no frequency). This sequence change replaces methionine, which is neutral and non-polar, with isoleucine, which is neutral and non-polar, at codon 2699 of the RELN protein (p.Met2699Ile).

NM_005045.4(RELN):c.8097G>A (p.Met2699Ile)

Gene: RELN (reelin; minus strand). Cytogenetic location: 7q22.1.
Variant type: single nucleotide variant.
Coding change: c.8097G>A on transcript NM_005045.4 (MANE Select); coding-DNA position 8097, G replaced by A.
Protein change: p.Met2699Ile; replaces methionine 2699 with isoleucine.
Molecular consequence: missense variant.
Genome position (GRCh38, 1-based): chr7:103,515,207, C>T on the plus strand (G>A on the coding strand, the complement: RELN is on the minus strand). VCF-style: chr7-103515207-C-T. GRCh37 (hg19) VCF-style: chr7-103155654-C-T.
Other names: c.8097G>A, p.Met2699Ile (NM_173054.3); short protein forms M2699I.
Identifiers: ClinVar variation 1051060 (VCV001051060.10), dbSNP rs1829531012, ClinGen allele CA368762687.